The following is an entry in ClinVar:

ClinVar aggregate classification (germline): Uncertain significance (1 of 4 stars; one submission).

Submission:

Labcorp Genetics (formerly Invitae), Labcorp
Classification: Uncertain significance. Last evaluated: 2022-10-03. Review status: criteria provided, single submitter. Criteria: Invitae Variant Classification Sherloc (09022015). Collection method: clinical testing. Allele origin: germline.
Comment: This variant is not present in population databases (gnomAD no frequency). In summary, the available evidence is currently insufficient to determine the role of this variant in disease. Therefore, it has been classified as a Variant of Uncertain Significance. This variant has not been reported in the literature in individuals affected with NALCN-related conditions. This variant, c.1187_1222dup, results in the insertion of 12 amino acid(s) of the NALCN protein (p.Val396_Lys407dup), but otherwise preserves the integrity of the reading frame.

NM_052867.4(NALCN):c.1187_1222dup (p.Lys407_Gly408insValAspValIleValAlaAlaSerAsnTyrTyrLys)

Genes: NALCN (sodium leak channel, non-selective; minus strand), LOC126861831 (P300/CBP strongly-dependent group 1 enhancer GRCh37_chr13:101909917-101911116; plus strand). Cytogenetic location: 13q33.1.
Variant type: Duplication.
Coding change: c.1187_1222dup on transcript NM_052867.4 (MANE Select); coding-DNA positions 1187 to 1222, 36 bases duplicated.
Protein change: p.Lys407_Gly408insValAspValIleValAlaAlaSerAsnTyrTyrLys.
Molecular consequence: inframe insertion.
Genome position (GRCh38, 1-based): chr13:101,258,487-101,258,522, 36 bases duplicated; duplicating any 36 consecutive bases within chr13:101,258,487-101,258,523 gives the same sequence; the c. name uses the placement nearest the transcript's 3' end. GRCh37 (hg19): chr13:101,910,839-101,910,874.
Other names: c.1187_1222dup, p.Lys407_Gly408insValAspValIleValAlaAlaSerAsnTyrTyrLys (NM_001350748.2, NM_001350749.2); c.1100_1135dup, p.Lys378_Gly379insValAspValIleValAlaAlaSerAsnTyrTyrLys (NM_001350750.2, NM_001350751.2).
Identifiers: ClinVar variation 1975615 (VCV001975615.5), dbSNP rs2503127228, ClinGen allele CA2580087017.
Genomic context (GRCh38, chr13:101,258,486, plus strand): 5'-GGTGGAGAGCTGCTTACCTCCGCCAGGTAGAACTCGTCGTACTGCCTCCTGAAGTTTTCT[C>CCTTTGTAGTAGTTGCTAGCCGCCACGATCACGTCCA]CTTTGTAGTAGTTGCTAGCCGCCACGATCACGTCCACGGTCACCATGCTCAGGATGAACA-3'